The following is an entry in ClinVar:

ClinVar aggregate classification (germline): Conflicting classifications of pathogenicity. Review status: criteria provided, conflicting classifications (1 of 4 stars). 7 submissions from 7 submitters: Uncertain significance (6); Likely benign (1). Last evaluated 2025-07-31.

Conditions:
Familial cancer of breast. Also called: hereditary breast carcinoma; BREAST CANCER, FAMILIAL; Hereditary breast cancer. Identifiers: Orphanet 227535, MedGen C0346153, MONDO:0016419, OMIM 114480. Disease mechanism: loss of function.
Breast-ovarian cancer, familial, susceptibility to, 2 (BROVCA2). Also called: BRCA2 Hereditary Breast and Ovarian Cancer. Identifiers: Orphanet 145, MedGen C2675520, MONDO:0012933, OMIM 612555. Disease mechanism: loss of function.
Wilms tumor 1 (WT1). Also called: Wilms tumor, somatic. Identifiers: Orphanet 654, MedGen CN033288, MONDO:0008679, OMIM 194070.
Pancreatic cancer, susceptibility to, 2. Identifiers: Orphanet 1333, MedGen C3150546, MONDO:0013235, OMIM 613347.
Glioma susceptibility 3 (GLM3). Also called: Glioblastoma 3. Identifiers: Orphanet 182067, Orphanet 360, MedGen C2751641, MONDO:0013093, OMIM 613029.
Familial prostate cancer. Also called: Hereditary Prostate Cancer. Identifiers: MedGen C2931456, MONDO:0700275, OMIM 176807.
Fanconi anemia complementation group D1. Also called: BRCA2-Related Fanconi Anemia. Identifiers: Orphanet 319462, MedGen C1838457, MONDO:0011584, OMIM 605724.
Medulloblastoma (MDB). Also called: Medulloblastoma, somatic; MEDULLOBLASTOMA PREDISPOSITION SYNDROME. Identifiers: Orphanet 616, MedGen C0025149, MeSH D008527, MONDO:0007959, OMIM 155255, HP:0002885.
Hereditary cancer-predisposing syndrome. Also called: Neoplastic Syndromes, Hereditary; Tumor predisposition; Hereditary neoplastic syndrome; Hereditary Cancer Syndrome. Identifiers: Orphanet 140162, MedGen C0027672, MeSH D009386, MONDO:0015356.
Hereditary breast ovarian cancer syndrome. Also called: Hereditary breast and ovarian cancer syndrome; Hereditary breast and ovarian cancer syndrome (HBOC); Breast and ovarian cancer; BRCA1- and BRCA2-Associated Hereditary Breast and Ovarian Cancer; Hereditary breast and/or ovarian cancer syndrome; Hereditary breast and ovarian cancer. Identifiers: Orphanet 145, MedGen C0677776, MeSH D061325, MONDO:0003582. Disease mechanism: loss of function.

Allele frequency attached by ClinVar (database versions not stated): gnomAD exomes below 0.00001.
gnomAD v4.1: 2 of 1,614,132 alleles (0.00012%); highest among the groups gnomAD compares: Admixed American, 0.0017%; no homozygotes.

Submissions (7):

Labcorp Genetics (formerly Invitae), Labcorp
Classification: Uncertain significance for Hereditary breast ovarian cancer syndrome. Last evaluated: 2025-07-31. Review status: criteria provided, single submitter. Criteria: Invitae Variant Classification Sherloc (09022015). Collection method: clinical testing. Allele origin: germline.
Comment: This sequence change replaces histidine, which is basic and polar, with arginine, which is basic and polar, at codon 3117 of the BRCA2 protein (p.His3117Arg). This variant is present in population databases (no rsID available, gnomAD 0.003%). This variant has not been reported in the literature in individuals affected with BRCA2-related conditions. ClinVar contains an entry for this variant (Variation ID: 232894). Invitae Evidence Modeling of protein sequence and biophysical properties (such as structural, functional, and spatial information, amino acid conservation, physicochemical variation, residue mobility, and thermodynamic stability) indicates that this missense variant is not expected to disrupt BRCA2 protein function with a negative predictive value of 95%. In summary, the available evidence is currently insufficient to determine the role of this variant in disease. Therefore, it has been classified as a Variant of Uncertain Significance.

Ambry Genetics
Classification: Likely benign for Hereditary cancer-predisposing syndrome. Last evaluated: 2025-05-15. Review status: criteria provided, single submitter. Criteria: Ambry Variant Classification Scheme 2023. Collection method: clinical testing. Allele origin: germline.

Fulgent Genetics
Classification: Uncertain significance for Familial cancer of breast; Medulloblastoma; Familial prostate cancer; Wilms tumor 1; Fanconi anemia complementation group D1; Breast-ovarian cancer, familial, susceptibility to, 2; Glioma susceptibility 3; Pancreatic cancer, susceptibility to, 2. Last evaluated: 2024-01-19. Review status: criteria provided, single submitter. Criteria: ACMG Guidelines, 2015. Collection method: clinical testing. Allele origin: germline.

All of Us Research Program, National Institutes of Health
Classification: Uncertain significance for Breast-ovarian cancer, familial, susceptibility to, 2. Last evaluated: 2023-11-20. Review status: criteria provided, single submitter. Criteria: ACMG Guidelines, 2015. Collection method: clinical testing. Allele origin: germline. Inheritance: Autosomal dominant inheritance. Observed: 1 variant allele, 1 heterozygote.
Comment: This missense variant replaces histidine with arginine at codon 3117 of the BRCA2 protein. Computational prediction is inconclusive regarding the impact of this variant on protein structure and function (internally defined REVEL score threshold 0.5 < inconclusive < 0.7, PMID: 27666373). To our knowledge, functional studies have not been reported for this variant. This variant has been reported to have a likelihood ratio for pathogenicity based on personal and family history of 0.3385 (PMID: 31853058). This variant has been identified in 1/251332 chromosomes in the general population by the Genome Aggregation Database (gnomAD). The available evidence is insufficient to determine the role of this variant in disease conclusively. Therefore, this variant is classified as a Variant of Uncertain Significance.

This study involves interpretation of variants in research participants for the purpose of population health screening. Participant phenotype was not available at the time of variant classification. Additional details can be found in publication PMID: 35346344, PMCID: PMC8962531

Quest Diagnostics Nichols Institute San Juan Capistrano
Classification: Uncertain significance. Last evaluated: 2023-11-13. Review status: criteria provided, single submitter. Criteria: Quest Diagnostics criteria. Collection method: clinical testing. Allele origin: unknown.
Comment: The BRCA2 c.9350A>G (p.His3117Arg) variant has not been reported in individuals with BRCA2-related conditions in the published literature. The frequency of this variant in the general population, 0.000004 (1/251332 chromosomes (Genome Aggregation Database)), is uninformative in the assessment of its pathogenicity. Analysis of this variant using bioinformatics tools for the prediction of the effect of amino acid changes on protein structure and function yielded predictions that this variant is benign. Based on the available information, we are unable to determine the clinical significance of this variant.

Women's Health and Genetics/Laboratory Corporation of America, LabCorp
Classification: Uncertain significance. Last evaluated: 2023-08-21. Review status: criteria provided, single submitter. Criteria: LabCorp Variant Classification Summary - May 2015. Collection method: clinical testing. Allele origin: germline.

GeneDx
Classification: Uncertain significance. Last evaluated: 2023-02-24. Review status: criteria provided, single submitter. Criteria: GeneDx Variant Classification Process June 2021. Collection method: clinical testing. Allele origin: germline. Affected: yes.
Comment: Observed in individuals with unspecified personal and family history who underwent hereditary cancer multigene panel (Li et al., 2020); Not observed at significant frequency in large population cohorts (gnomAD); In silico analysis supports that this missense variant does not alter protein structure/function; Also known as 9578A>G; This variant is associated with the following publications: (PMID: 12228710, 32377563, 29884841, 31853058)

Literature cited by the submitters: PubMed 31853058 (cited by All of Us Research Program, National Institutes of Health).

NM_000059.4(BRCA2):c.9350A>G (p.His3117Arg)

Gene: BRCA2 (BRCA2 DNA repair associated; plus strand). Cytogenetic location: 13q13.1.
Variant type: single nucleotide variant.
Coding change: c.9350A>G on transcript NM_000059.4 (MANE Select); coding-DNA position 9350, A replaced by G.
Protein change: p.His3117Arg; replaces histidine 3117 with arginine.
Molecular consequence: missense variant.
Genome position (GRCh38, 1-based): chr13:32,394,782, A>G. VCF-style: chr13-32394782-A-G. GRCh37 (hg19) VCF-style: chr13-32968919-A-G.
Other names: short protein forms H3117R.
Identifiers: ClinVar variation 232894 (VCV000232894.20), dbSNP rs80359206, ClinGen allele CA10579828.